The following is an entry in ClinVar:

ClinVar aggregate classification (germline): Uncertain significance (1 of 4 stars; one submission).

Conditions:
Lethal congenital glycogen storage disease of heart. Also called: GLYCOGEN STORAGE DISEASE OF HEART; PHOSPHORYLASE KINASE DEFICIENCY OF HEART. Identifiers: Orphanet 439854, MedGen C1849813, MONDO:0009867, OMIM 261740.

Submission:

Labcorp Genetics (formerly Invitae), Labcorp
Classification: Uncertain significance for Lethal congenital glycogen storage disease of heart. Last evaluated: 2023-08-20. Review status: criteria provided, single submitter. Criteria: Invitae Variant Classification Sherloc (09022015). Collection method: clinical testing. Allele origin: germline.
Comment: This sequence change creates a premature translational stop signal (p.Ser130Profs*40) in the PRKAG2 gene. It is expected to result in an absent or disrupted protein product. However, the current clinical and genetic evidence is not sufficient to establish whether loss-of-function variants in PRKAG2 cause disease. In summary, the available evidence is currently insufficient to determine the role of this variant in disease. Therefore, it has been classified as a Variant of Uncertain Significance. This variant has not been reported in the literature in individuals affected with PRKAG2-related conditions. This variant is not present in population databases (gnomAD no frequency).

NM_016203.4(PRKAG2):c.388del (p.Ser130fs)

Gene: PRKAG2 (protein kinase AMP-activated non-catalytic subunit gamma 2; minus strand). Cytogenetic location: 7q36.1.
Variant type: Deletion.
Coding change: c.388del on transcript NM_016203.4 (MANE Select); coding-DNA position 388, one base deleted (T; older notation c.388delT).
Protein change: p.Ser130fs; shifts the reading frame from serine 130.
Molecular consequence: frameshift variant. On other transcripts: intron variant (1).
Genome position (GRCh38, 1-based): chr7:151,781,230, A deleted on the plus strand (T on the coding strand, the reverse complement: PRKAG2 is on the minus strand). VCF-style (leftmost placement, unchanged base first): chr7-151781229-GA-G. GRCh37 (hg19) VCF-style: chr7-151478315-GA-G.
Other names: c.256del, p.Ser86fs (NM_001040633.2, NM_001407024.1, NM_001407026.1 and 2 more transcripts); c.388del, p.Ser130fs (NM_001407021.1, NM_001407022.1, NM_001407023.1 and 2 more transcripts); c.148+33186del (NM_001407032.1); short protein forms S130fs, S86fs.
Identifiers: ClinVar variation 2754210 (VCV002754210.3), dbSNP rs2537921752, ClinGen allele CA2697549713.